The following is an entry in ClinVar:

NM_145200.5(CABP4):c.280C>T (p.Arg94Cys)

Gene: CABP4 (calcium binding protein 4; plus strand). Cytogenetic location: 11q13.2.
Variant type: single nucleotide variant.
Coding change: c.280C>T on transcript NM_145200.5 (MANE Select); coding-DNA position 280, C replaced by T.
Protein change: p.Arg94Cys; replaces arginine 94 with cysteine.
Molecular consequence: missense variant. On other transcripts: 5 prime UTR variant (2), non-coding transcript variant (1), intron variant (1).
Genome position (GRCh38, 1-based): chr11:67,455,703, C>T. VCF-style: chr11-67455703-C-T. GRCh37 (hg19) VCF-style: chr11-67223174-C-T.
Other names: c.-104C>T (NM_001300895.3); c.-118C>T (NM_001379183.1); c.-112-6C>T (NM_001300896.3); short protein forms R94C.
Identifiers: ClinVar variation 837484 (VCV000837484.9), dbSNP rs139328894, ClinGen allele CA6140121.

ClinVar aggregate classification (germline): Uncertain significance. Review status: criteria provided, multiple submitters, no conflicts (2 of 4 stars). 3 submissions from 3 submitters: Uncertain significance (3). Last evaluated 2025-06-29.

Conditions:
Inborn genetic diseases. Identifiers: MedGen C0950123, MeSH D030342.

Allele frequency attached by ClinVar (database versions not stated): gnomAD exomes 0.00001 and 0.00002; ExAC 0.00002; gnomAD 0.00004; TOPMed 0.00004; ESP Exome Variant Server 0.00008.
gnomAD v4.1: 24 of 1,608,102 alleles (0.0015%); highest among the groups gnomAD compares: East Asian, 0.0067%; no homozygotes.

Submissions (3):

Ambry Genetics
Classification: Uncertain significance for Inborn genetic diseases. Last evaluated: 2025-06-29. Review status: criteria provided, single submitter. Criteria: Ambry Variant Classification Scheme 2023. Collection method: clinical testing. Allele origin: germline.

Labcorp Genetics (formerly Invitae), Labcorp
Classification: Uncertain significance. Last evaluated: 2022-04-01. Review status: criteria provided, single submitter. Criteria: Invitae Variant Classification Sherloc (09022015). Collection method: clinical testing. Allele origin: germline.
Comment: This sequence change replaces arginine, which is basic and polar, with cysteine, which is neutral and slightly polar, at codon 94 of the CABP4 protein (p.Arg94Cys). This variant is present in population databases (rs139328894, gnomAD 0.02%). This variant has not been reported in the literature in individuals affected with CABP4-related conditions. ClinVar contains an entry for this variant (Variation ID: 837484). Algorithms developed to predict the effect of missense changes on protein structure and function are either unavailable or do not agree on the potential impact of this missense change (SIFT: "Deleterious"; PolyPhen-2: "Benign"; Align-GVGD: "Class C0"). In summary, the available evidence is currently insufficient to determine the role of this variant in disease. Therefore, it has been classified as a Variant of Uncertain Significance.

Blueprint Genetics
Classification: Uncertain significance. Last evaluated: 2021-12-15. Review status: criteria provided, single submitter. Criteria: ACMG Guidelines, 2015. Collection method: clinical testing. Allele origin: germline.